The following is an entry in ClinVar:

ClinVar aggregate classification (germline): Likely benign. Review status: criteria provided, single submitter (1 of 4 stars). 2 submissions from 1 submitter: Likely benign (2). Last evaluated 2018-01-13.

Conditions:
Charcot-Marie-Tooth disease, axonal, with vocal cord paresis, autosomal recessive. Also called: CHARCOT-MARIE-TOOTH DISEASE, TYPE 4A, AXONAL FORM; CHARCOT-MARIE-TOOTH NEUROPATHY, AXONAL, WITH VOCAL CORD PARESIS, AUTOSOMAL RECESSIVE; CMT2 WITH VOCAL CORD PARESIS, AUTOSOMAL RECESSIVE. Identifiers: Orphanet 101097, MedGen C1843183, MONDO:0011898, OMIM 607706.
Charcot-Marie-Tooth disease recessive intermediate A (CMTRIA). Also called: CHARCOT-MARIE-TOOTH NEUROPATHY, RECESSIVE INTERMEDIATE A. Identifiers: Orphanet 217055, MedGen C1842197, MONDO:0012014, OMIM 608340.

Allele frequency attached by ClinVar (database versions not stated): TOPMed 0.00036; gnomAD 0.00037 and 0.00038; gnomAD exomes 0.00056 and 0.00103; ExAC 0.00257.
gnomAD v4.1: 220 of 440,706 alleles (0.05%); highest among the groups gnomAD compares: Admixed American, 0.01%; 1 homozygote.

Submissions (2):

Illumina Laboratory Services, Illumina
Classification: Likely benign for Charcot-Marie-Tooth disease, axonal, with vocal cord paresis, autosomal recessive. Last evaluated: 2018-01-13. Review status: criteria provided, single submitter. Criteria: ICSL Variant Classification Criteria 13 December 2019. Collection method: clinical testing. Allele origin: germline.
Comment: This variant was observed in the ICSL laboratory as part of a predisposition screen in an ostensibly healthy population. It had not been previously curated by ICSL or reported in the Human Gene Mutation Database (HGMD: prior to June 1st, 2018), and was therefore a candidate for classification through an automated scoring system. Utilizing variant allele frequency, disease prevalence and penetrance estimates, and inheritance mode, an automated score was calculated to assess if this variant is too frequent to cause the disease. Based on the score and internal cut-off values, a variant classified as likely benign is not then subjected to further curation. The score for this variant resulted in a classification of likely benign for this disease.

Illumina Laboratory Services, Illumina
Classification: Likely benign for Charcot-Marie-Tooth disease recessive intermediate A. Last evaluated: 2018-01-13. Review status: criteria provided, single submitter. Criteria: ICSL Variant Classification Criteria 13 December 2019. Collection method: clinical testing. Allele origin: germline.
Comment: the same text as in the submission from Illumina Laboratory Services, Illumina above.

NM_018972.4(GDAP1):c.*1701T>C

Gene: GDAP1 (ganglioside induced differentiation associated protein 1; plus strand). Cytogenetic location: 8q21.11.
Variant type: single nucleotide variant.
Coding change: c.*1701T>C on transcript NM_018972.4 (MANE Select); 1701 bases downstream of the stop codon, T replaced by C.
Molecular consequence: 3 prime UTR variant. On other transcripts: intron variant (1).
Genome position (GRCh38, 1-based): chr8:74,366,068, T>C. VCF-style: chr8-74366068-T-C. GRCh37 (hg19) VCF-style: chr8-75278303-T-C.
Other names: c.*1701T>C (NM_001040875.4, NM_001362929.2, NM_001362930.2 and 1 more transcripts); c.694+3015T>C (NM_001362931.2).
Identifiers: ClinVar variation 363750 (VCV000363750.5), dbSNP rs781146378, ClinGen allele CA4785334.